The following is an entry in ClinVar:

NM_012470.4(TNPO3):c.1495C>T (p.Leu499Phe)

Gene: TNPO3 (transportin 3; minus strand). Cytogenetic location: 7q32.1.
Variant type: single nucleotide variant.
Coding change: c.1495C>T on transcript NM_012470.4 (MANE Select); coding-DNA position 1495, C replaced by T.
Protein change: p.Leu499Phe; replaces leucine 499 with phenylalanine.
Molecular consequence: missense variant. On other transcripts: non-coding transcript variant (18).
Genome position (GRCh38, 1-based): chr7:128,989,964, G>A on the plus strand (C>T on the coding strand, the complement: TNPO3 is on the minus strand). VCF-style: chr7-128989964-G-A. GRCh37 (hg19) VCF-style: chr7-128630018-G-A.
Other names: c.1495C>T, p.Leu499Phe (NM_001191028.3, NM_001382218.1, NM_001382220.1 and 1 more transcripts); c.1597C>T, p.Leu533Phe (NM_001382216.1); c.1576C>T, p.Leu526Phe (NM_001382217.1); c.1387C>T, p.Leu463Phe (NM_001382219.1); c.1351C>T, p.Leu451Phe (NM_001382221.1); c.1348C>T, p.Leu450Phe (NM_001382222.1); short protein forms L450F, L463F, L526F, L533F, L451F, L499F.
Identifiers: ClinVar variation 2710360 (VCV002710360.3), dbSNP rs2536132436, ClinGen allele CA369227650.

ClinVar aggregate classification (germline): Uncertain significance (1 of 4 stars; one submission).

Conditions:
Autosomal dominant limb-girdle muscular dystrophy type 1F (LGMDD2). Also called: Limb-girdle muscular dystrophy, type 1F; MUSCULAR DYSTROPHY, LIMB-GIRDLE, AUTOSOMAL DOMINANT 2. Identifiers: Orphanet 55595, MedGen C1842062, MONDO:0012034, OMIM 608423.

Submission:

Labcorp Genetics (formerly Invitae), Labcorp
Classification: Uncertain significance for Autosomal dominant limb-girdle muscular dystrophy type 1F. Last evaluated: 2024-01-19. Review status: criteria provided, single submitter. Criteria: Invitae Variant Classification Sherloc (09022015). Collection method: clinical testing. Allele origin: germline.
Comment: This sequence change replaces leucine, which is neutral and non-polar, with phenylalanine, which is neutral and non-polar, at codon 499 of the TNPO3 protein (p.Leu499Phe). This variant is not present in population databases (gnomAD no frequency). This variant has not been reported in the literature in individuals affected with TNPO3-related conditions. Advanced modeling of protein sequence and biophysical properties (such as structural, functional, and spatial information, amino acid conservation, physicochemical variation, residue mobility, and thermodynamic stability) performed at Invitae indicates that this missense variant is not expected to disrupt TNPO3 protein function with a negative predictive value of 80%. In summary, the available evidence is currently insufficient to determine the role of this variant in disease. Therefore, it has been classified as a Variant of Uncertain Significance.